The following is an entry in ClinVar:

ClinVar aggregate classification (germline): Uncertain significance (1 of 4 stars; one submission).

Conditions:
Glycine encephalopathy. Also called: Nonketotic hyperglycinemia; Non-ketotic hyperglycinemia. Identifiers: Orphanet 407, MedGen C0751748, MONDO:0011612, HP:0008288.

Allele frequency attached by ClinVar (database versions not stated): TOPMed below 0.00001; ExAC 0.00002.
gnomAD v4.1: 2 of 1,611,896 alleles (0.00012%); highest among the groups gnomAD compares: Admixed American, 0.0033%; no homozygotes.

Submission:

Labcorp Genetics (formerly Invitae), Labcorp
Classification: Uncertain significance for Glycine encephalopathy. Last evaluated: 2025-11-03. Review status: criteria provided, single submitter. Criteria: Invitae Variant Classification Sherloc (09022015). Collection method: clinical testing. Allele origin: germline.
Comment: This sequence change replaces arginine, which is basic and polar, with serine, which is neutral and polar, at codon 409 of the GLDC protein (p.Arg409Ser). This variant is present in population databases (rs778700604, gnomAD 0.009%). This variant has not been reported in the literature in individuals affected with GLDC-related conditions. ClinVar contains an entry for this variant (Variation ID: 2068075). Invitae Evidence Modeling of protein sequence and biophysical properties (such as structural, functional, and spatial information, amino acid conservation, physicochemical variation, residue mobility, and thermodynamic stability) indicates that this missense variant is not expected to disrupt GLDC protein function with a negative predictive value of 80%. In summary, the available evidence is currently insufficient to determine the role of this variant in disease. Therefore, it has been classified as a Variant of Uncertain Significance.

NM_000170.3(GLDC):c.1227G>C (p.Arg409Ser)

Gene: GLDC (glycine decarboxylase; minus strand). Cytogenetic location: 9p24.1.
Variant type: single nucleotide variant.
Coding change: c.1227G>C on transcript NM_000170.3 (MANE Select); coding-DNA position 1227, G replaced by C.
Protein change: p.Arg409Ser; replaces arginine 409 with serine.
Molecular consequence: missense variant.
Genome position (GRCh38, 1-based): chr9:6,595,048, C>G on the plus strand (G>C on the coding strand, the complement: GLDC is on the minus strand). VCF-style: chr9-6595048-C-G. GRCh37 (hg19) VCF-style: chr9-6595048-C-G.
Other names: short protein forms R409S.
Identifiers: ClinVar variation 2068075 (VCV002068075.2), dbSNP rs778700604, ClinGen allele CA4980801.
Genomic context (GRCh38, chr9:6,595,048, plus strand): 5'-ATGTTTTAGACAGATTACCAACTCACCTTCTGACAAAATCAAAGTGGCATTATGTACCCT[C>G]CTAGCAATATGCTCCAGCCCATGGGAACCATGGTAGATTGCAAACATGGCAGCCATATTC-3'
Protein context (NP_000161.2, residues 399-419): HGSHGLEHIA[Arg409Ser]RVHNATLILS